The following is an entry in ClinVar:

ClinVar aggregate classification (germline): Uncertain significance. Review status: criteria provided, single submitter (1 of 4 stars). 2 submissions from 2 submitters: Uncertain significance (1). 1 of the submissions does not count toward it. Last evaluated 2022-09-23.

Conditions:
ATP2B2-related disorder. Also called: ATP2B2-related condition.

Allele frequency attached by ClinVar (database versions not stated): ExAC 0.00002; gnomAD 0.00002; 1000 Genomes Project 30x 0.00016.
gnomAD v4.1: 9 of 1,613,968 alleles (0.00056%); highest among the groups gnomAD compares: African/African-American, 0.0027%; no homozygotes.

Submissions (2):

Labcorp Genetics (formerly Invitae), Labcorp
Classification: Uncertain significance. Last evaluated: 2022-09-23. Review status: criteria provided, single submitter. Criteria: Invitae Variant Classification Sherloc (09022015). Collection method: clinical testing. Allele origin: germline.
Comment: This variant has not been reported in the literature in individuals affected with ATP2B2-related conditions. This sequence change replaces arginine, which is basic and polar, with cysteine, which is neutral and slightly polar, at codon 601 of the ATP2B2 protein (p.Arg601Cys). This variant is present in population databases (rs74592691, gnomAD 0.006%). Advanced modeling of protein sequence and biophysical properties (such as structural, functional, and spatial information, amino acid conservation, physicochemical variation, residue mobility, and thermodynamic stability) performed at Invitae indicates that this missense variant is not expected to disrupt ATP2B2 protein function. In summary, the available evidence is currently insufficient to determine the role of this variant in disease. Therefore, it has been classified as a Variant of Uncertain Significance.

PreventionGenetics, part of Exact Sciences
Classification: Uncertain significance for ATP2B2-related condition. Last evaluated: 2024-05-17. Review status: no assertion criteria provided. Collection method: clinical testing. Allele origin: germline. Not counted in ClinVar's aggregate classification.
Comment: The ATP2B2 c.1801C>T variant is predicted to result in the amino acid substitution p.Arg601Cys. To our knowledge, this variant has not been reported in the literature. This variant is reported in 0.0062% of alleles in individuals of African descent in gnomAD. At this time, the clinical significance of this variant is uncertain due to the absence of conclusive functional and genetic evidence.

NM_001001331.4(ATP2B2):c.1936C>T (p.Arg646Cys)

Gene: ATP2B2 (ATPase plasma membrane Ca2+ transporting 2; minus strand). Cytogenetic location: 3p25.3.
Variant type: single nucleotide variant.
Coding change: c.1936C>T on transcript NM_001001331.4 (MANE Select); coding-DNA position 1936, C replaced by T.
Protein change: p.Arg646Cys; replaces arginine 646 with cysteine.
Molecular consequence: missense variant.
Genome position (GRCh38, 1-based): chr3:10,358,891, G>A on the plus strand (C>T on the coding strand, the complement: ATP2B2 is on the minus strand). VCF-style: chr3-10358891-G-A. GRCh37 (hg19) VCF-style: chr3-10400575-G-A.
Other names: c.1801C>T (NM_001683.3); c.1801C>T, p.Arg601Cys (NM_001330611.3, NM_001353564.1, NM_001363862.1 and 1 more transcripts); short protein forms R646C, R601C.
Identifiers: ClinVar variation 1922827 (VCV001922827.6), dbSNP rs74592691, ClinGen allele CA2253537.